The following is an entry in ClinVar:

ClinVar aggregate classification (germline): Likely benign (1 of 4 stars; one submission).

Submission:

CeGaT Center for Human Genetics Tuebingen
Classification: Likely benign. Last evaluated: 2025-05-01. Review status: criteria provided, single submitter. Criteria: CeGaT Center For Human Genetics Tuebingen Variant Classification Criteria Version 2. Collection method: clinical testing. Allele origin: germline. Affected: yes. Observed: 1 variant allele.
Comment: ATP13A2: PM2:Supporting, BP4, BP7

NM_022089.4(ATP13A2):c.807C>T (p.Ile269=)

Gene: ATP13A2 (ATPase cation transporting 13A2; minus strand). Cytogenetic location: 1p36.13.
Variant type: single nucleotide variant.
Coding change: c.807C>T on transcript NM_022089.4 (MANE Select); coding-DNA position 807, C replaced by T.
Protein change: p.Ile269=; no amino-acid change (isoleucine 269 retained).
Molecular consequence: synonymous variant.
Genome position (GRCh38, 1-based): chr1:17,000,433, G>A on the plus strand (C>T on the coding strand, the complement: ATP13A2 is on the minus strand). VCF-style: chr1-17000433-G-A. GRCh37 (hg19) VCF-style: chr1-17326928-G-A.
Other names: c.792C>T, p.Ile264= (NM_001141973.3, NM_001141974.3).
Identifiers: ClinVar variation 3904995 (VCV003904995.10).